The following is an entry in ClinVar:

NM_020779.4(WDR35):c.3122-3T>C

Gene: WDR35 (WD repeat domain 35; minus strand). Cytogenetic location: 2p24.1.
Variant type: single nucleotide variant.
Coding change: c.3122-3T>C on transcript NM_020779.4 (MANE Select); 3 bases into the intron before coding-DNA position 3122, T replaced by C.
Molecular consequence: intron variant.
Genome position (GRCh38, 1-based): chr2:19,914,280, A>G on the plus strand (T>C on the coding strand, the complement: WDR35 is on the minus strand). VCF-style: chr2-19914280-A-G. GRCh37 (hg19) VCF-style: chr2-20114041-A-G.
Other names: c.3155-3T>C (NM_001006657.2).
Identifiers: ClinVar variation 668321 (VCV000668321.9), dbSNP rs751769266, ClinGen allele CA1542732.

ClinVar aggregate classification (germline): Conflicting classifications of pathogenicity. Review status: criteria provided, conflicting classifications (1 of 4 stars). 4 submissions from 4 submitters: Uncertain significance (2); Likely benign (1). 1 of the submissions does not count toward it. Last evaluated 2024-05-14.

Conditions:
Cranioectodermal dysplasia 2 (CED2). Identifiers: Orphanet 1515, MedGen C3150874, MONDO:0013323, OMIM 613610.
Short-rib thoracic dysplasia 7 with or without polydactyly (SRTD7). Also called: Short rib polydactyly syndrome 5; SHORT-RIB THORACIC DYSPLASIA 7 WITH POLYDACTYLY. Identifiers: Orphanet 498497, Orphanet 93271, MedGen C3279792, MONDO:0013569, OMIM 614091.
WDR35-related disorder. Also called: WDR35-related disorders; WDR35-related condition. Identifiers: MedGen CN239419.

Allele frequency attached by ClinVar (database versions not stated): gnomAD 0.00001; gnomAD exomes 0.00002 and 0.00008; TOPMed 0.00006; ExAC 0.00007.
gnomAD v4.1: 26 of 1,614,028 alleles (0.0016%); highest among the groups gnomAD compares: Admixed American, 0.042%; no homozygotes.

Submissions (4):

Fulgent Genetics
Classification: Uncertain significance for Cranioectodermal dysplasia 2; Short-rib thoracic dysplasia 7 with or without polydactyly. Last evaluated: 2024-05-14. Review status: criteria provided, single submitter. Criteria: ACMG Guidelines, 2015. Collection method: clinical testing. Allele origin: germline.

Labcorp Genetics (formerly Invitae), Labcorp
Classification: Uncertain significance for Cranioectodermal dysplasia 2; Short-rib thoracic dysplasia 7 with or without polydactyly. Last evaluated: 2022-08-08. Review status: criteria provided, single submitter. Criteria: Invitae Variant Classification Sherloc (09022015). Collection method: clinical testing. Allele origin: germline.
Comment: This sequence change falls in intron 26 of the WDR35 gene. It does not directly change the encoded amino acid sequence of the WDR35 protein. It affects a nucleotide within the consensus splice site. This variant is present in population databases (rs751769266, gnomAD 0.05%). This variant has not been reported in the literature in individuals affected with WDR35-related conditions. ClinVar contains an entry for this variant (Variation ID: 668321). Variants that disrupt the consensus splice site are a relatively common cause of aberrant splicing (PMID: 17576681, 9536098). Algorithms developed to predict the effect of sequence changes on RNA splicing suggest that this variant is not likely to affect RNA splicing. In summary, the available evidence is currently insufficient to determine the role of this variant in disease. Therefore, it has been classified as a Variant of Uncertain Significance.

GeneDx
Classification: Likely benign. Last evaluated: 2021-05-19. Review status: criteria provided, single submitter. Criteria: GeneDx Variant Classification Process June 2021. Collection method: clinical testing. Allele origin: germline. Affected: yes.

PreventionGenetics, part of Exact Sciences
Classification: Likely benign for WDR35-related condition. Last evaluated: 2019-04-09. Review status: no assertion criteria provided. Collection method: clinical testing. Allele origin: germline. Not counted in ClinVar's aggregate classification.
Comment: This variant is classified as likely benign based on ACMG/AMP sequence variant interpretation guidelines (Richards et al. 2015 PMID: 25741868, with internal and published modifications).

Literature cited by the submitters: PubMed 17576681 (cited by Labcorp Genetics (formerly Invitae), Labcorp); PubMed 9536098 (cited by Labcorp Genetics (formerly Invitae), Labcorp).